The following is an entry in ClinVar:

ClinVar aggregate classification (germline): Conflicting classifications of pathogenicity. Review status: criteria provided, conflicting classifications (1 of 4 stars). 2 submissions from 2 submitters: Likely pathogenic (1); Uncertain significance (1). Last evaluated 2023-04-20.

Conditions:
Intellectual disability, X-linked 102 (MRXSSB). Also called: Intellectual developmental disorder, X-linked syndromic, Snijders Blok type. Identifiers: Orphanet 457260, MedGen C5393299, MONDO:0010497, OMIM 300958.

Submissions (3):

Duke University Health System Sequencing Clinic, Duke University Health System
Classification: Likely pathogenic for Intellectual disability, X-linked 102. Last evaluated: 2023-04-20. Review status: criteria provided, single submitter. Criteria: ACMG Guidelines, 2015. Collection method: research. Allele origin: de novo. Affected: yes.

Juno Genomics, Hangzhou Juno Genomics, Inc
Classification: Uncertain significance for Intellectual disability, X-linked 102. Review status: criteria provided, single submitter. Criteria: ACMG Guidelines, 2015. Collection method: clinical testing. Allele origin: germline. Affected: yes.
Comment: Absent from controls (or at extremely low frequency if recessive) in Genome Aggregation Database, Exome Sequencing Project, 1000 Genomes Project, or Exome Aggregation Consortium.;Null variant in a gene where loss of function (LOF) is a known mechanism of disease.;De novo (both maternity and paternity confirmed) in a patient with the disease and no family history.;The prevalence of the variant in affected individuals is significantly increased compared to the prevalence in controls.

Dr. Peter K. Rogan Lab, Western University
No classification provided (evidence only). Condition: Lymphoma. Review status: no classification provided. Collection method: in vitro. Allele origin: not applicable. Functional consequence: skipped exon, retained intron. Not counted in ClinVar's aggregate classification.

NM_001356.5(DDX3X):c.864+2T>G

Gene: DDX3X (DEAD-box helicase 3 X-linked; plus strand). Cytogenetic location: Xp11.4.
Variant type: single nucleotide variant.
Coding change: c.864+2T>G on transcript NM_001356.5 (MANE Select); the canonical splice donor site of the intron after coding-DNA position 864, T replaced by G.
Molecular consequence: splice donor variant.
Genome position (GRCh38, 1-based): chrX:41,344,130, T>G. VCF-style: chrX-41344130-T-G. GRCh37 (hg19) VCF-style: chrX-41203383-T-G.
Other names: NC_000023.10:g.41203383T>G; c.864+2T>G (NM_001193416.3); c.816+2T>G (NM_001193417.3); c.306+2T>G (NM_001363819.1).
Identifiers: ClinVar variation 2499618 (VCV002499618.6), dbSNP rs2519514556, ClinGen allele CA412770488.